The following is an entry in ClinVar:

ClinVar aggregate classification (germline): Uncertain significance. Review status: criteria provided, multiple submitters, no conflicts (2 of 4 stars). 2 submissions from 2 submitters: Uncertain significance (2). Last evaluated 2024-03-05.

Conditions:
Inborn genetic diseases. Identifiers: MedGen C0950123, MeSH D030342.

gnomAD v4.1: 7 of 1,570,272 alleles (0.00045%); highest among the groups gnomAD compares: Non-Finnish European, 0.0006%; no homozygotes.

Submissions (2):

Ambry Genetics
Classification: Uncertain significance for Inborn genetic diseases. Last evaluated: 2024-03-05. Review status: criteria provided, single submitter. Criteria: Ambry Variant Classification Scheme 2023. Collection method: clinical testing. Allele origin: germline.

Labcorp Genetics (formerly Invitae), Labcorp
Classification: Uncertain significance. Last evaluated: 2022-07-25. Review status: criteria provided, single submitter. Criteria: Invitae Variant Classification Sherloc (09022015). Collection method: clinical testing. Allele origin: germline.
Comment: In summary, the available evidence is currently insufficient to determine the role of this variant in disease. Therefore, it has been classified as a Variant of Uncertain Significance. Algorithms developed to predict the effect of sequence changes on RNA splicing suggest that this variant may create or strengthen a splice site. Algorithms developed to predict the effect of missense changes on protein structure and function are either unavailable or do not agree on the potential impact of this missense change (SIFT: "Deleterious"; PolyPhen-2: "Benign"; Align-GVGD: "Class C0"). This variant has not been reported in the literature in individuals affected with MPDZ-related conditions. The frequency data for this variant in the population databases is considered unreliable, as metrics indicate poor data quality at this position in the gnomAD database. This sequence change replaces cysteine, which is neutral and slightly polar, with phenylalanine, which is neutral and non-polar, at codon 890 of the MPDZ protein (p.Cys890Phe).

NM_001378778.1(MPDZ):c.2669G>T (p.Cys890Phe)

Gene: MPDZ (multiple PDZ domain crumbs cell polarity complex component; minus strand). Cytogenetic location: 9p23.
Variant type: single nucleotide variant.
Coding change: c.2669G>T on transcript NM_001378778.1 (MANE Select); coding-DNA position 2669, G replaced by T.
Protein change: p.Cys890Phe; replaces cysteine 890 with phenylalanine.
Molecular consequence: missense variant.
Genome position (GRCh38, 1-based): chr9:13,176,398, C>A on the plus strand (G>T on the coding strand, the complement: MPDZ is on the minus strand). VCF-style: chr9-13176398-C-A. GRCh37 (hg19) VCF-style: chr9-13176397-C-A.
Other names: c.2669G>T, p.Cys890Phe (NM_001261406.2, NM_001261407.2, NM_001330637.2 and 14 more transcripts); c.2669G>T (NM_003829.3); short protein forms C890F.
Identifiers: ClinVar variation 2193605 (VCV002193605.4), dbSNP rs765815015, ClinGen allele CA372935492.